The following is an entry in ClinVar:

ClinVar aggregate classification (germline): Uncertain significance (1 of 4 stars; one submission).

Conditions:
Cardiovascular phenotype. Identifiers: MedGen CN230736.

Submission:

Ambry Genetics
Classification: Uncertain significance for Cardiovascular phenotype. Last evaluated: 2026-04-02. Review status: criteria provided, single submitter. Criteria: Ambry Variant Classification Scheme 2023. Collection method: clinical testing. Allele origin: germline.
Comment: The p.V176E variant (also known as c.527T>A), located in coding exon 5 of the APOB gene, results from a T to A substitution at nucleotide position 527. The valine at codon 176 is replaced by glutamic acid, an amino acid with dissimilar properties. This amino acid position is conserved. In addition, this alteration is predicted to be tolerated by in silico analysis. Based on the available evidence, the clinical significance of this variant remains unclear.

NM_000384.3(APOB):c.527T>A (p.Val176Glu)

Gene: APOB (apolipoprotein B; minus strand). Cytogenetic location: 2p24.1.
Variant type: single nucleotide variant.
Coding change: c.527T>A on transcript NM_000384.3 (MANE Select); coding-DNA position 527, T replaced by A.
Protein change: p.Val176Glu; replaces valine 176 with glutamic acid.
Molecular consequence: missense variant.
Genome position (GRCh38, 1-based): chr2:21,037,968, A>T on the plus strand (T>A on the coding strand, the complement: APOB is on the minus strand). VCF-style: chr2-21037968-A-T. GRCh37 (hg19) VCF-style: chr2-21260840-A-T.
Other names: short protein forms V176E.
Identifiers: ClinVar variation 4862518 (VCV004862518.1).